The following is an entry in ClinVar:

ClinVar aggregate classification (germline): Uncertain significance. Review status: criteria provided, multiple submitters, no conflicts (2 of 4 stars). 4 submissions from 4 submitters: Uncertain significance (4). Last evaluated 2023-07-21.

Allele frequency attached by ClinVar (database versions not stated): ExAC 0.00002; gnomAD 0.00004; TOPMed 0.00005.
gnomAD v4.1: 6 of 1,613,446 alleles (0.00037%); highest among the groups gnomAD compares: African/African-American, 0.008%; no homozygotes.

Submissions (4):

Labcorp Genetics (formerly Invitae), Labcorp
Classification: Uncertain significance. Last evaluated: 2023-07-21. Review status: criteria provided, single submitter. Criteria: Invitae Variant Classification Sherloc (09022015). Collection method: clinical testing. Allele origin: germline.
Comment: In summary, the available evidence is currently insufficient to determine the role of this variant in disease. Therefore, it has been classified as a Variant of Uncertain Significance. Advanced modeling of protein sequence and biophysical properties (such as structural, functional, and spatial information, amino acid conservation, physicochemical variation, residue mobility, and thermodynamic stability) performed at Invitae indicates that this missense variant is expected to disrupt MYO7A protein function. ClinVar contains an entry for this variant (Variation ID: 498537). This variant has not been reported in the literature in individuals affected with MYO7A-related conditions. This variant is present in population databases (rs782008236, gnomAD 0.01%). This sequence change replaces valine, which is neutral and non-polar, with methionine, which is neutral and non-polar, at codon 943 of the MYO7A protein (p.Val943Met).

Blueprint Genetics
Classification: Uncertain significance. Last evaluated: 2020-11-03. Review status: criteria provided, single submitter. Criteria: ACMG Guidelines, 2015. Collection method: clinical testing. Allele origin: germline.

GeneDx
Classification: Uncertain significance. Last evaluated: 2020-03-25. Review status: criteria provided, single submitter. Criteria: GeneDx Variant Classification Process June 2021. Collection method: clinical testing. Allele origin: germline. Affected: yes.
Comment: In silico analysis, which includes protein predictors and evolutionary conservation, supports a deleterious effect; Has not been previously published as pathogenic or benign to our knowledge

Eurofins Ntd Llc (ga)
Classification: Uncertain significance. Last evaluated: 2016-12-06. Review status: criteria provided, single submitter. Criteria: EGL Classification Definitions 2015. Collection method: clinical testing. Allele origin: germline. Observed: 1 variant allele, 1 heterozygote.

NM_000260.4(MYO7A):c.2827G>A (p.Val943Met)

Gene: MYO7A (myosin VIIA; plus strand). Cytogenetic location: 11q13.5.
Variant type: single nucleotide variant.
Coding change: c.2827G>A on transcript NM_000260.4 (MANE Select); coding-DNA position 2827, G replaced by A.
Protein change: p.Val943Met; replaces valine 943 with methionine.
Molecular consequence: missense variant.
Genome position (GRCh38, 1-based): chr11:77,181,512, G>A. VCF-style: chr11-77181512-G-A. GRCh37 (hg19) VCF-style: chr11-76892558-G-A.
Other names: c.2827G>A, p.Val943Met (NM_001127180.2); c.2794G>A, p.Val932Met (NM_001369365.1); short protein forms V943M, V932M.
Identifiers: ClinVar variation 498537 (VCV000498537.11), dbSNP rs782008236, ClinGen allele CA6197940.